The following is an entry in ClinVar:

ClinVar aggregate classification (germline): Uncertain significance. Review status: criteria provided, multiple submitters, no conflicts (2 of 4 stars). 2 submissions from 2 submitters: Uncertain significance (2). Last evaluated 2022-08-31.

Submissions (2):

Labcorp Genetics (formerly Invitae), Labcorp
Classification: Uncertain significance. Last evaluated: 2022-08-31. Review status: criteria provided, single submitter. Criteria: Invitae Variant Classification Sherloc (09022015). Collection method: clinical testing. Allele origin: germline.
Comment: This sequence change replaces proline, which is neutral and non-polar, with glutamine, which is neutral and polar, at codon 26 of the ASAH1 protein (p.Pro26Gln). This variant is not present in population databases (gnomAD no frequency). In summary, the available evidence is currently insufficient to determine the role of this variant in disease. Therefore, it has been classified as a Variant of Uncertain Significance. Algorithms developed to predict the effect of missense changes on protein structure and function are either unavailable or do not agree on the potential impact of this missense change (SIFT: "Tolerated"; PolyPhen-2: "Possibly Damaging"; Align-GVGD: "Class C0"). ClinVar contains an entry for this variant (Variation ID: 265707). This variant has not been reported in the literature in individuals affected with ASAH1-related conditions.

GeneDx
Classification: Uncertain significance. Last evaluated: 2019-09-05. Review status: criteria provided, single submitter. Criteria: GeneDx Variant Classification Process June 2021. Collection method: clinical testing. Allele origin: germline. Affected: yes.
Comment: Not observed in large population cohorts (Lek et al., 2016); In silico analysis, which includes protein predictors and evolutionary conservation, supports a deleterious effect; Has not been previously published as pathogenic or benign to our knowledge

NM_177924.5(ASAH1):c.77C>A (p.Pro26Gln)

Gene: ASAH1 (N-acylsphingosine amidohydrolase 1; minus strand). Cytogenetic location: 8p22.
Variant type: single nucleotide variant.
Coding change: c.77C>A on transcript NM_177924.5 (MANE Select); coding-DNA position 77, C replaced by A.
Protein change: p.Pro26Gln; replaces proline 26 with glutamine.
Molecular consequence: missense variant. On other transcripts: intron variant (2).
Genome position (GRCh38, 1-based): chr8:18,083,982, G>T on the plus strand (C>A on the coding strand, the complement: ASAH1 is on the minus strand). VCF-style: chr8-18083982-G-T. GRCh37 (hg19) VCF-style: chr8-17941491-G-T.
Other names: c.126+694C>A (NM_004315.6, NM_001127505.3); short protein forms P26Q.
Identifiers: ClinVar variation 265707 (VCV000265707.7), dbSNP rs886039750, ClinGen allele CA10588454.